The following is an entry in ClinVar:

NC_000023.10:g.(?_22108527)_(22108635_?)del

Gene: PHEX (phosphate regulating endopeptidase X-linked; plus strand). Cytogenetic location: Xp22.11.
Variant type: Deletion.
Identifiers: ClinVar variation 1071854 (VCV001071854.5).

ClinVar aggregate classification (germline): Pathogenic (1 of 4 stars; one submission).

Submission:

Labcorp Genetics (formerly Invitae), Labcorp
Classification: Pathogenic. Last evaluated: 2020-10-09. Review status: criteria provided, single submitter. Criteria: Invitae Variant Classification Sherloc (09022015). Collection method: clinical testing. Allele origin: germline.
Comment: This variant is an in-frame deletion of the genomic region encompassing exon(s) 6 of the PHEX gene. It preserves the integrity of the reading frame. For these reasons, this variant has been classified as Pathogenic. Experimental studies and prediction algorithms are not available or were not evaluated, and the functional significance of this variant is currently unknown. This variant has been observed in individual(s) with hypophosphatemia (PMID: 9768674, Invitae).

Literature cited by the submitters: PubMed 9768674.